The following is an entry in ClinVar:

ClinVar aggregate classification (germline): Uncertain significance. Review status: criteria provided, multiple submitters, no conflicts (2 of 4 stars). 3 submissions from 3 submitters: Uncertain significance (3). Last evaluated 2023-08-03.

Conditions:
MYO6-related disorder. Also called: MYO6-related condition; MYO6-related disorders.

Submissions (3):

GeneDx
Classification: Uncertain significance. Last evaluated: 2023-08-03. Review status: criteria provided, single submitter. Criteria: GeneDx Variant Classification Process June 2021. Collection method: clinical testing. Allele origin: germline. Affected: yes.
Comment: In-frame deletion of 1 amino acid in a non-repeat region; Not observed at significant frequency in large population cohorts (gnomAD); In silico analysis supports a deleterious effect on protein structure/function; Has not been previously published as pathogenic or benign to our knowledge

PreventionGenetics, part of Exact Sciences
Classification: Uncertain significance for MYO6-related condition. Last evaluated: 2023-04-10. Review status: criteria provided, single submitter. Criteria: ACMG Guidelines, 2015. Collection method: clinical testing. Allele origin: germline.
Comment: The MYO6 c.1444_1446delCAA variant is predicted to result in an in-frame deletion (p.Gln482del). To our knowledge, this variant has not been reported in the literature or in a large population database, indicating this variant is rare. At this time, the clinical significance of this variant is uncertain due to the absence of conclusive functional and genetic evidence.

Blueprint Genetics
Classification: Uncertain significance. Last evaluated: 2021-06-22. Review status: criteria provided, single submitter. Criteria: ACMG Guidelines, 2015. Collection method: clinical testing. Allele origin: germline.

NM_004999.4(MYO6):c.1441CAA[1] (p.Gln482del)

Gene: MYO6 (myosin VI; plus strand). Cytogenetic location: 6q14.1.
Variant type: Microsatellite.
Coding change: c.1441CAA[1] on transcript NM_004999.4 (MANE Select); one copy of the 3-base unit CAA starting at c.1441; the reference has two copies in a row; one copy, 3 bases deleted; also written c.1444_1446del.
Protein change: p.Gln482del; deletes glutamine 482.
Molecular consequence: inframe deletion. On other transcripts: non-coding transcript variant (1).
Genome position (GRCh38, 1-based): chr6:75,858,964-75,858,966, CAA deleted; deleting any 3 consecutive bases within chr6:75,858,961-75,858,966 gives the same sequence; the position shown is the placement nearest the transcript's 3' end. VCF-style (leftmost placement, unchanged base first): chr6-75858960-TCAA-T. GRCh37 (hg19) VCF-style: chr6-76568677-TCAA-T.
Other names: c.1444_1446delCAA (NM_004999.3); c.1441CAA[1], p.Gln482del (NM_001300899.2, NM_001368136.1, NM_001368137.1 and 2 more transcripts); c.1426CAA[1], p.Gln477del (NM_001368138.1); c.1444_1446del (NM_004999.3); short protein forms Q477del, Q482del.
Identifiers: ClinVar variation 2633571 (VCV002633571.3), dbSNP rs1226341551, ClinGen allele CA828162878.
Genomic context (GRCh38, chr6:75,858,960, plus strand): 5'-AGAGTACTTTGAGCATAACAGTTTTGAACAATTTTGCATCAACTATTGCAATGAAAAACT[TCAA>T]CAATTTTTTAATGAAAGGATTCTGAAGGAGGTAATTGCCATTATAAGTTTAATTTAAGAT-3'